The following is an entry in ClinVar:

NM_198859.4(PRICKLE2):c.194A>G (p.Asn65Ser)

Gene: PRICKLE2 (prickle planar cell polarity protein 2; minus strand). Cytogenetic location: 3p14.1.
Variant type: single nucleotide variant.
Coding change: c.194A>G on transcript NM_198859.4 (MANE Select); coding-DNA position 194, A replaced by G.
Protein change: p.Asn65Ser; replaces asparagine 65 with serine.
Molecular consequence: missense variant.
Genome position (GRCh38, 1-based): chr3:64,163,080, T>C on the plus strand (A>G on the coding strand, the complement: PRICKLE2 is on the minus strand). VCF-style: chr3-64163080-T-C. GRCh37 (hg19) VCF-style: chr3-64148756-T-C.
Other names: c.194A>G, p.Asn65Ser (NM_001370528.1); short protein forms N65S.
Identifiers: ClinVar variation 1020148 (VCV001020148.5), dbSNP rs1338458844, ClinGen allele CA353437290.

ClinVar aggregate classification (germline): Uncertain significance (1 of 4 stars; one submission).

Conditions:
Progressive myoclonic epilepsy type 5. Identifiers: Orphanet 402082, MedGen C5190799.

Allele frequency attached by ClinVar (database versions not stated): TOPMed below 0.00001; gnomAD 0.00001.
gnomAD v4.1: 1 of 1,613,834 alleles (0.000062%); highest among the groups gnomAD compares: Non-Finnish European, 0.000085%; no homozygotes.

Submission:

Labcorp Genetics (formerly Invitae), Labcorp
Classification: Uncertain significance for Progressive myoclonic epilepsy type 5. Last evaluated: 2022-01-11. Review status: criteria provided, single submitter. Criteria: Invitae Variant Classification Sherloc (09022015). Collection method: clinical testing. Allele origin: germline.
Comment: This sequence change replaces asparagine, which is neutral and polar, with serine, which is neutral and polar, at codon 65 of the PRICKLE2 protein (p.Asn65Ser). This variant is present in population databases (no rsID available, gnomAD 0.007%). This variant has not been reported in the literature in individuals affected with PRICKLE2-related conditions. ClinVar contains an entry for this variant (Variation ID: 1020148). Algorithms developed to predict the effect of missense changes on protein structure and function (SIFT, PolyPhen-2, Align-GVGD) all suggest that this variant is likely to be disruptive. In summary, the available evidence is currently insufficient to determine the role of this variant in disease. Therefore, it has been classified as a Variant of Uncertain Significance.